The following is an entry in ClinVar:

NM_000059.4(BRCA2):c.7008-1387_7008-1386insA

Gene: BRCA2 (BRCA2 DNA repair associated; plus strand). Cytogenetic location: 13q13.1.
Variant type: Insertion.
Coding change: c.7008-1387_7008-1386insA on transcript NM_000059.4 (MANE Select); 1387 bases into the intron before coding-DNA position 7008 through 1386 bases into the intron before coding-DNA position 7008, A inserted.
Molecular consequence: intron variant.
Genome position: GRCh38 VCF-style: chr13-32353474-C-CA. GRCh37 (hg19) VCF-style: chr13-32927611-C-CA.
Identifiers: ClinVar variation 264899 (VCV000264899.1), dbSNP rs375090804, ClinGen allele CA10588119.

ClinVar aggregate classification (germline): Benign (3 of 4 stars; one submission).

Conditions:
Breast-ovarian cancer, familial, susceptibility to, 2 (BROVCA2). Also called: BRCA2 Hereditary Breast and Ovarian Cancer. Identifiers: Orphanet 145, MedGen C2675520, MONDO:0012933, OMIM 612555. Disease mechanism: loss of function.

Allele frequency attached by ClinVar (database versions not stated): gnomAD 0.00001; 1000 Genomes Project 0.24181.

Submission:

Evidence-based Network for the Interpretation of Germline Mutant Alleles (ENIGMA)
Classification: Benign for Breast-ovarian cancer, familial, susceptibility to, 2. Last evaluated: 2016-09-28. Review status: reviewed by expert panel. Criteria: ENIGMA BRCA1/2 Classification Criteria (2015). Collection method: curation. Allele origin: germline.
Comment: Class 1 not pathogenic based on frequency >1% in an outbred sampleset. Frequency 0.2097 (European), 0.2413 (African), 0.2003 (Admixed American/Latino), 0.3681 (East Asian), 0.1748 (South Asian), derived from 1000 genomes (2013-05-02).